The following is an entry in ClinVar:

NM_000052.7(ATP7A):c.1523G>A (p.Arg508Gln)

Gene: ATP7A (ATPase copper transporting alpha; plus strand). Cytogenetic location: Xq21.1.
Variant type: single nucleotide variant.
Coding change: c.1523G>A on transcript NM_000052.7 (MANE Select); coding-DNA position 1523, G replaced by A.
Protein change: p.Arg508Gln; replaces arginine 508 with glutamine.
Molecular consequence: missense variant.
Genome position (GRCh38, 1-based): chrX:77,998,664, G>A. VCF-style: chrX-77998664-G-A. GRCh37 (hg19) VCF-style: chrX-77254161-G-A.
Other names: c.1523G>A, p.Arg508Gln (NM_001282224.2); short protein forms R508Q.
Identifiers: ClinVar variation 2928898 (VCV002928898.3), dbSNP rs2522314763, ClinGen allele CA413595110.

ClinVar aggregate classification (germline): Uncertain significance (1 of 4 stars; one submission).

Conditions:
Menkes kinky-hair syndrome (MNK). Also called: Copper transport disease; Menkes Disease; Classic Menkes Disease. Identifiers: Orphanet 565, MedGen C0022716, MONDO:0010651, OMIM 309400.
Cutis laxa, X-linked (OHS). Also called: EDS IX; Occipital horn syndrome. Identifiers: Orphanet 198, MedGen C0268353, MONDO:0010572, OMIM 304150.
X-linked distal spinal muscular atrophy type 3. Also called: ATP7A-Related Distal Motor Neuropathy; SPINAL MUSCULAR ATROPHY, DISTAL, X-LINKED RECESSIVE; NEURONOPATHY, DISTAL HEREDITARY MOTOR, X-LINKED; NEUROPATHY, DISTAL HEREDITARY MOTOR, X-LINKED. Identifiers: Orphanet 139557, MedGen C1845359, MONDO:0010338, OMIM 300489.

Allele frequency attached by ClinVar (database versions not stated): gnomAD exomes below 0.00001.
gnomAD v4.1: 2 of 1,211,390 alleles (0.00017%); highest among the groups gnomAD compares: African/African-American, 0.0017%; no homozygotes.

Submission:

Labcorp Genetics (formerly Invitae), Labcorp
Classification: Uncertain significance for X-linked distal spinal muscular atrophy type 3; Cutis laxa, X-linked; Menkes kinky-hair syndrome. Last evaluated: 2023-10-22. Review status: criteria provided, single submitter. Criteria: Invitae Variant Classification Sherloc (09022015). Collection method: clinical testing. Allele origin: germline.
Comment: This sequence change replaces arginine, which is basic and polar, with glutamine, which is neutral and polar, at codon 508 of the ATP7A protein (p.Arg508Gln). This variant is not present in population databases (gnomAD no frequency). This variant has not been reported in the literature in individuals affected with ATP7A-related conditions. Advanced modeling of protein sequence and biophysical properties (such as structural, functional, and spatial information, amino acid conservation, physicochemical variation, residue mobility, and thermodynamic stability) performed at Invitae indicates that this missense variant is not expected to disrupt ATP7A protein function with a negative predictive value of 95%. In summary, the available evidence is currently insufficient to determine the role of this variant in disease. Therefore, it has been classified as a Variant of Uncertain Significance.